The following is an entry in ClinVar:

ClinVar aggregate classification (germline): Uncertain significance. Review status: criteria provided, multiple submitters, no conflicts (2 of 4 stars). 2 submissions from 2 submitters: Uncertain significance (2). Last evaluated 2021-12-09.

Allele frequency attached by ClinVar (database versions not stated): TOPMed below 0.00001; gnomAD 0.00001.
gnomAD v4.1: 3 of 1,296,258 alleles (0.00023%); highest among the groups gnomAD compares: Admixed American, 0.0041%; no homozygotes.

Submissions (2):

Revvity Omics, Revvity
Classification: Uncertain significance. Last evaluated: 2021-12-09. Review status: criteria provided, single submitter. Criteria: ACMG Guidelines, 2015. Collection method: clinical testing. Allele origin: germline.

GeneDx
Classification: Uncertain significance. Last evaluated: 2021-03-26. Review status: criteria provided, single submitter. Criteria: GeneDx Variant Classification Process June 2021. Collection method: clinical testing. Allele origin: germline. Affected: yes.
Comment: Not observed in large population cohorts (Lek et al., 2016); Located in a region that tolerates variation and lacks pathogenic variants; Has not been previously published as pathogenic or benign to our knowledge; In-silico analysis, which includes splice predictors and evolutionary conservation, is inconclusive as to whether the variant alters gene splicing. In the absence of RNA/functional studies, the actual effect of this sequence change is unknown.

NM_001127222.2(CACNA1A):c.6791C>T (p.Ser2264Phe)

Gene: CACNA1A (calcium voltage-gated channel subunit alpha1 A; minus strand). Cytogenetic location: 19p13.13.
Variant type: single nucleotide variant.
Coding change: c.6791C>T on transcript NM_001127222.2 (MANE Select); coding-DNA position 6791, C replaced by T.
Protein change: p.Ser2264Phe; replaces serine 2264 with phenylalanine.
Molecular consequence: missense variant. On other transcripts: 3 prime UTR variant (3).
Genome position (GRCh38, 1-based): chr19:13,208,043, G>A on the plus strand (C>T on the coding strand, the complement: CACNA1A is on the minus strand). VCF-style: chr19-13208043-G-A. GRCh37 (hg19) VCF-style: chr19-13318857-G-A.
Other names: c.*3C>T (NM_001127221.1, NM_000068.4, NM_001127221.2 and 1 more transcripts); c.6809C>T, p.Ser2270Phe (NM_023035.3); short protein forms S2264F, S2270F.
Identifiers: ClinVar variation 1300363 (VCV001300363.4), dbSNP rs1267795318, ClinGen allele CA404329160.
Genomic context (GRCh38, chr19:13,208,043, plus strand): 5'-CGGCGGCCCCGCCGCGGAGTGCTGGTACCAGATGTTGAGGGGGCTGGGCTTCCACTTACG[G>A]AACTACTGCCCTACACGAAAATTGAAACAAAGGAAATCAAAAAAAAAGATACAACAAAAT-3'
Protein context (NP_001120694.1, residues 2254-2274): EHMAHRQGSS[Ser2264Phe]VSGSPAPSTS